The following is an entry in ClinVar:

ClinVar aggregate classification (germline): Uncertain significance (1 of 4 stars; one submission).

Allele frequency attached by ClinVar (database versions not stated): gnomAD exomes 0.00001; ExAC 0.00011.
gnomAD v4.1: 2 of 1,507,936 alleles (0.00013%); highest among the groups gnomAD compares: Middle Eastern, 0.021%; no homozygotes.

Submission:

Labcorp Genetics (formerly Invitae), Labcorp
Classification: Uncertain significance. Last evaluated: 2025-02-19. Review status: criteria provided, single submitter. Criteria: Invitae Variant Classification Sherloc (09022015). Collection method: clinical testing. Allele origin: germline.
Comment: This sequence change replaces alanine, which is neutral and non-polar, with valine, which is neutral and non-polar, at codon 13 of the NEFH protein (p.Ala13Val). This variant is present in population databases (rs748355993, gnomAD 0.003%). This variant has not been reported in the literature in individuals affected with NEFH-related conditions. ClinVar contains an entry for this variant (Variation ID: 1385694). Invitae Evidence Modeling of protein sequence and biophysical properties (such as structural, functional, and spatial information, amino acid conservation, physicochemical variation, residue mobility, and thermodynamic stability) indicates that this missense variant is not expected to disrupt NEFH protein function with a negative predictive value of 95%. In summary, the available evidence is currently insufficient to determine the role of this variant in disease. Therefore, it has been classified as a Variant of Uncertain Significance.

NM_021076.4(NEFH):c.38C>T (p.Ala13Val)

Gene: NEFH (neurofilament heavy chain; plus strand). Cytogenetic location: 22q12.2.
Variant type: single nucleotide variant.
Coding change: c.38C>T on transcript NM_021076.4 (MANE Select); coding-DNA position 38, C replaced by T.
Protein change: p.Ala13Val; replaces alanine 13 with valine.
Molecular consequence: missense variant.
Genome position (GRCh38, 1-based): chr22:29,480,300, C>T. VCF-style: chr22-29480300-C-T. GRCh37 (hg19) VCF-style: chr22-29876289-C-T.
Other names: short protein forms A13V.
Identifiers: ClinVar variation 1385694 (VCV001385694.8), dbSNP rs748355993, ClinGen allele CA10173957.